The following is an entry in ClinVar:

NM_000038.6(APC):c.4652_4653del (p.Lys1551fs)

Gene: APC (APC regulator of Wnt signaling pathway; plus strand). Cytogenetic location: 5q22.2.
Variant type: Deletion.
Coding change: c.4652_4653del on transcript NM_000038.6 (MANE Select); coding-DNA positions 4652 to 4653, 2 bases deleted (AA; older notation c.4652_4653delAA).
Protein change: p.Lys1551fs; shifts the reading frame from lysine 1551.
Molecular consequence: frameshift variant. On other transcripts: non-coding transcript variant (2).
Genome position (GRCh38, 1-based): chr5:112,840,246-112,840,247, AA deleted; deleting any 2 consecutive bases within chr5:112,840,245-112,840,247 gives the same sequence; the c. name uses the placement nearest the transcript's 3' end. VCF-style (leftmost placement, unchanged base first): chr5-112840244-GAA-G. GRCh37 (hg19) VCF-style: chr5-112175941-GAA-G.
Other names: c.4652_4653delAA (NM_000038.5); c.4631_4632del, p.Lys1544fs (NM_001407451.1); c.4622_4623del, p.Lys1541fs (NM_001407452.1); c.4475_4476del, p.Lys1492fs (NM_001407453.1, NM_001354901.2); c.4403_4404del, p.Lys1468fs (NM_001407454.1, NM_001407455.1, NM_001407456.1 and 1 more transcripts); c.4349_4350del, p.Lys1450fs (NM_001407458.1, NM_001407459.1, NM_001407460.1 and 1 more transcripts); c.4265_4266del, p.Lys1422fs (NM_001407467.1, NM_001407469.1); c.3803_3804del, p.Lys1268fs (NM_001407470.1, NM_001354906.2); and 12 more; short protein forms K1167fs, K1268fs, K1391fs, K1422fs, K1425fs, K1450fs, K1460fs, K1468fs.
Identifiers: ClinVar variation 2584056 (VCV002584056.3), dbSNP rs2533589238, ClinGen allele CA658760763.
Genomic context (GRCh38, chr5:112,840,244, plus strand): 5'-AAATGACAATGGGAATGAAACAGAATCAGAGCAGCCTAAAGAATCAAATGAAAACCAAGA[GAA>G]AGAGGCAGAAAAAACTATTGATTCTGAAAAGGACCTATTAGATGATTCAGATGATGATGA-3'

ClinVar aggregate classification (germline): Pathogenic. Review status: criteria provided, multiple submitters, no conflicts (2 of 4 stars). 3 submissions from 3 submitters: Pathogenic (3). Last evaluated 2025-08-30.

Conditions:
Familial adenomatous polyposis 1 (FAP1). Also called: FAMILIAL ADENOMATOUS POLYPOSIS 1, ATTENUATED; POLYPOSIS, ADENOMATOUS INTESTINAL. Identifiers: MedGen C2713442, MONDO:0021056, OMIM 175100. Disease mechanism: loss of function.
Hereditary cancer-predisposing syndrome. Also called: Hereditary neoplastic syndrome; Tumor predisposition; Hereditary Cancer Syndrome; Neoplastic Syndromes, Hereditary. Identifiers: Orphanet 140162, MedGen C0027672, MeSH D009386, MONDO:0015356.

Submissions (3):

Ambry Genetics
Classification: Pathogenic for Hereditary cancer-predisposing syndrome. Last evaluated: 2025-08-30. Review status: criteria provided, single submitter. Criteria: Ambry Variant Classification Scheme 2023. Collection method: clinical testing. Allele origin: germline.
Comment: The c.4652_4653delAA pathogenic mutation, located in coding exon 15 of the APC gene, results from a deletion of two nucleotides at nucleotide positions 4652 to 4653, causing a translational frameshift with a predicted alternate stop codon (p.K1551Rfs*7). This alteration occurs at the 3' terminus of the gene, is not expected to trigger nonsense-mediated mRNA decay, and impacts the last 45% of the protein. However, premature stop codons are typically deleterious in nature, the impacted region is critical for protein function, and a significant portion of the protein is affected (Ambry internal data). This variant was reported in individual(s) with features consistent with APC-related familial adenomatous polyposis (FAP) (Kanter-Smoler G et al. BMC Med, 2008 Apr;6:10; Ambry internal data). This variant is considered to be rare based on population cohorts in the Genome Aggregation Database (gnomAD). Based on the supporting evidence, this variant is interpreted as a disease-causing mutation.

Molecular Pathology, Peter Maccallum Cancer Centre
Classification: Pathogenic for Familial adenomatous polyposis 1. Last evaluated: 2024-03-08. Review status: criteria provided, single submitter. Criteria: ACMG Guidelines, 2015. Collection method: clinical testing. Allele origin: germline. Inheritance: Autosomal dominant inheritance.

Myriad Genetics, Inc.
Classification: Pathogenic for Familial adenomatous polyposis 1. Last evaluated: 2023-05-11. Review status: criteria provided, single submitter. Criteria: Myriad Autosomal Dominant, Autosomal Recessive and X-Linked Classification Criteria (2023). Collection method: clinical testing. Allele origin: unknown.
Comment: This variant is considered pathogenic. This variant creates a frameshift predicted to result in premature protein truncation.

Literature cited by the submitters: PubMed 18433509 (cited by Ambry Genetics).